The following is an entry in ClinVar:

NM_203290.4(POLR1C):c.69+5G>A

Genes: POLR1C (RNA polymerase I and III subunit C; plus strand), LOC129996517 (ATAC-STARR-seq lymphoblastoid active region 24602; plus strand). Cytogenetic location: 6p21.1.
Variant type: single nucleotide variant.
Coding change: c.69+5G>A on transcript NM_203290.4 (MANE Select); 5 bases into the intron after coding-DNA position 69, G replaced by A.
Molecular consequence: intron variant.
Genome position (GRCh38, 1-based): chr6:43,517,183, G>A. VCF-style: chr6-43517183-G-A. GRCh37 (hg19) VCF-style: chr6-43484921-G-A.
Other names: c.69+5G>A (NM_001318876.2, NM_001363658.2).
Identifiers: ClinVar variation 2435155 (VCV002435155.6), dbSNP rs376407272, ClinGen allele CA3825287.

ClinVar aggregate classification (germline): Uncertain significance. Review status: criteria provided, multiple submitters, no conflicts (2 of 4 stars). 2 submissions from 2 submitters: Uncertain significance (2). Last evaluated 2022-12-31.

Allele frequency attached by ClinVar (database versions not stated): TOPMed 0.00006; ExAC 0.00013; gnomAD 0.00015; gnomAD exomes 0.00017; ESP Exome Variant Server 0.00023.
gnomAD v4.1: 265 of 1,613,902 alleles (0.016%); highest among the groups gnomAD compares: South Asian, 0.022%; no homozygotes.

Submissions (2):

Labcorp Genetics (formerly Invitae), Labcorp
Classification: Uncertain significance. Last evaluated: 2022-12-31. Review status: criteria provided, single submitter. Criteria: Invitae Variant Classification Sherloc (09022015). Collection method: clinical testing. Allele origin: germline.
Comment: In summary, the available evidence is currently insufficient to determine the role of this variant in disease. Therefore, it has been classified as a Variant of Uncertain Significance. Variants that disrupt the consensus splice site are a relatively common cause of aberrant splicing (PMID: 17576681, 9536098). Algorithms developed to predict the effect of sequence changes on RNA splicing suggest that this variant may disrupt the consensus splice site. This variant has not been reported in the literature in individuals affected with POLR1C-related conditions. This variant is present in population databases (rs376407272, gnomAD 0.1%). This sequence change falls in intron 1 of the POLR1C gene. It does not directly change the encoded amino acid sequence of the POLR1C protein. It affects a nucleotide within the consensus splice site.

Revvity Omics, Revvity
Classification: Uncertain significance. Last evaluated: 2022-06-06. Review status: criteria provided, single submitter. Criteria: ACMG Guidelines, 2015. Collection method: clinical testing. Allele origin: germline.

Literature cited by the submitters: PubMed 17576681 (cited by Labcorp Genetics (formerly Invitae), Labcorp); PubMed 9536098 (cited by Labcorp Genetics (formerly Invitae), Labcorp).